The following is an entry in ClinVar:

ClinVar aggregate classification (germline): Uncertain significance (1 of 4 stars; one submission).

Conditions:
Charcot-Marie-Tooth disease axonal type 2C (HMSN2C). Also called: Charcot-Marie-Tooth Disease Type 2, TRPV4-Related (CMT2C); CHARCOT-MARIE-TOOTH DISEASE, AXONAL, AUTOSOMAL DOMINANT, TYPE 2C; Charcot-Marie-Tooth Neuropathy Type 2C. Identifiers: Orphanet 99937, MedGen C1853710, MONDO:0011633, OMIM 606071.

Allele frequency attached by ClinVar (database versions not stated): ExAC 0.00002; gnomAD exomes below 0.00001.

Submission:

Labcorp Genetics (formerly Invitae), Labcorp
Classification: Uncertain significance for Charcot-Marie-Tooth disease axonal type 2C. Last evaluated: 2021-06-11. Review status: criteria provided, single submitter. Criteria: Invitae Variant Classification Sherloc (09022015). Collection method: clinical testing. Allele origin: germline.
Comment: This sequence change replaces threonine with isoleucine at codon 240 of the TRPV4 protein (p.Thr240Ile). The threonine residue is moderately conserved and there is a moderate physicochemical difference between threonine and isoleucine. In summary, the available evidence is currently insufficient to determine the role of this variant in disease. Therefore, it has been classified as a Variant of Uncertain Significance. Advanced modeling of protein sequence and biophysical properties (such as structural, functional, and spatial information, amino acid conservation, physicochemical variation, residue mobility, and thermodynamic stability) performed at Invitae indicates that this missense variant is expected to disrupt TRPV4 protein function. This variant has not been reported in the literature in individuals with TRPV4-related conditions. This variant is present in population databases (rs750340562, ExAC 0.003%).

NM_021625.5(TRPV4):c.719C>T (p.Thr240Ile)

Gene: TRPV4 (transient receptor potential cation channel subfamily V member 4; minus strand). Cytogenetic location: 12q24.11.
Variant type: single nucleotide variant.
Coding change: c.719C>T on transcript NM_021625.5 (MANE Select); coding-DNA position 719, C replaced by T.
Protein change: p.Thr240Ile; replaces threonine 240 with isoleucine.
Molecular consequence: missense variant. On other transcripts: intron variant (2).
Genome position (GRCh38, 1-based): chr12:109,800,752, G>A on the plus strand (C>T on the coding strand, the complement: TRPV4 is on the minus strand). VCF-style: chr12-109800752-G-A. GRCh37 (hg19) VCF-style: chr12-110238557-G-A.
Other names: c.617C>T, p.Thr206Ile (NM_001177431.2); c.719C>T, p.Thr240Ile (NM_147204.3); c.713-1840C>T (NM_001177433.1, NM_001177428.1); short protein forms T206I, T240I.
Identifiers: ClinVar variation 1387517 (VCV001387517.8), dbSNP rs750340562, ClinGen allele CA6780442.